The following is an entry in ClinVar:

ClinVar aggregate classification (germline): Pathogenic/Likely pathogenic. Review status: criteria provided, multiple submitters, no conflicts (2 of 4 stars). 2 submissions from 2 submitters: Pathogenic (1); Likely pathogenic (1). Last evaluated 2022-10-26.

Conditions:
RBP3-related disorder. Also called: RBP3-related condition.

Submissions (2):

Labcorp Genetics (formerly Invitae), Labcorp
Classification: Pathogenic. Last evaluated: 2022-10-26. Review status: criteria provided, single submitter. Criteria: Invitae Variant Classification Sherloc (09022015). Collection method: clinical testing. Allele origin: germline.
Comment: For these reasons, this variant has been classified as Pathogenic. ClinVar contains an entry for this variant (Variation ID: 1074901). This variant has not been reported in the literature in individuals affected with RBP3-related conditions. This variant is not present in population databases (gnomAD no frequency). This sequence change creates a premature translational stop signal (p.Asp427Thrfs*139) in the RBP3 gene. It is expected to result in an absent or disrupted protein product. Loss-of-function variants in RBP3 are known to be pathogenic (PMID: 9614228, 23105016, 25766589).

Blueprint Genetics
Classification: Likely pathogenic for RBP3-related disorders. Last evaluated: 2021-10-21. Review status: criteria provided, single submitter. Criteria: ACMG Guidelines, 2015. Collection method: clinical testing. Allele origin: germline. Affected: yes. Observed: 1 variant allele.

Literature cited by the submitters: PubMed 9614228 (cited by Labcorp Genetics (formerly Invitae), Labcorp); PubMed 23105016 (cited by Labcorp Genetics (formerly Invitae), Labcorp); PubMed 25766589 (cited by Labcorp Genetics (formerly Invitae), Labcorp).

NM_002900.3(RBP3):c.1279del (p.Asp427fs)

Gene: RBP3 (retinol binding protein 3; plus strand). Cytogenetic location: 10q11.22.
Variant type: Deletion.
Coding change: c.1279del on transcript NM_002900.3 (MANE Select); coding-DNA position 1279, one base deleted (G; older notation c.1279delG).
Protein change: p.Asp427fs; shifts the reading frame from aspartic acid 427.
Molecular consequence: frameshift variant.
Genome position (GRCh38, 1-based): chr10:47,349,763, G deleted; the last of 2 consecutive G bases (chr10:47,349,762-47,349,763); deleting either gives the same sequence. VCF-style (leftmost placement, unchanged base first): chr10-47349761-TG-T. GRCh37 (hg19) VCF-style: chr10-48389598-TC-T.
Other names: short protein forms D427fs.
Identifiers: ClinVar variation 1074901 (VCV001074901.8), dbSNP rs2132253612, ClinGen allele CA2499220243.